The following is an entry in ClinVar:

ClinVar aggregate classification (germline): Uncertain significance. Review status: criteria provided, multiple submitters, no conflicts (2 of 4 stars). 2 submissions from 2 submitters: Uncertain significance (2). Last evaluated 2026-01-23.

Conditions:
Dyskeratosis congenita, autosomal recessive 6 (DKCB6). Identifiers: MedGen C4225356, MONDO:0014600, OMIM 616353.
Pulmonary fibrosis and/or bone marrow failure, Telomere-related, 4. Also called: PULMONARY FIBROSIS AND/OR BONE MARROW FAILURE SYNDROME, TELOMERE-RELATED, 4. Identifiers: Orphanet 2032, MedGen C4225347, MONDO:0014612, OMIM 616371.
Inborn genetic diseases. Identifiers: MedGen C0950123, MeSH D030342.

Allele frequency attached by ClinVar (database versions not stated): ExAC 0.00006; gnomAD exomes below 0.00001; TOPMed 0.00002.
gnomAD v4.1: 3 of 1,485,616 alleles (0.0002%); highest among the groups gnomAD compares: Admixed American, 0.0061%; no homozygotes.

Submissions (2):

Labcorp Genetics (formerly Invitae), Labcorp
Classification: Uncertain significance for Dyskeratosis congenita, autosomal recessive 6; Pulmonary fibrosis and/or bone marrow failure, Telomere-related, 4. Last evaluated: 2026-01-23. Review status: criteria provided, single submitter. Criteria: Invitae Variant Classification Sherloc (09022015). Collection method: clinical testing. Allele origin: germline.
Comment: This sequence change replaces valine, which is neutral and non-polar, with isoleucine, which is neutral and non-polar, at codon 427 of the PARN protein (p.Val427Ile). The frequency data for this variant in the population databases is considered unreliable, as metrics indicate poor data quality at this position in the gnomAD database. This variant has not been reported in the literature in individuals affected with PARN-related conditions. ClinVar contains an entry for this variant (Variation ID: 1061206). An algorithm developed to predict the effect of missense changes on protein structure and function outputs the following: PolyPhen-2: "Benign". The isoleucine amino acid residue is found in multiple mammalian species, which suggests that this missense change does not adversely affect protein function. In summary, the available evidence is currently insufficient to determine the role of this variant in disease. Therefore, it has been classified as a Variant of Uncertain Significance.

Ambry Genetics
Classification: Uncertain significance for Inborn genetic diseases. Last evaluated: 2024-09-27. Review status: criteria provided, single submitter. Criteria: Ambry Variant Classification Scheme 2023. Collection method: clinical testing. Allele origin: germline.

NM_002582.4(PARN):c.1279G>A (p.Val427Ile)

Gene: PARN (poly(A)-specific ribonuclease; minus strand). Cytogenetic location: 16p13.12.
Variant type: single nucleotide variant.
Coding change: c.1279G>A on transcript NM_002582.4 (MANE Select); coding-DNA position 1279, G replaced by A.
Protein change: p.Val427Ile; replaces valine 427 with isoleucine.
Molecular consequence: missense variant.
Genome position (GRCh38, 1-based): chr16:14,555,693, C>T on the plus strand (G>A on the coding strand, the complement: PARN is on the minus strand). VCF-style: chr16-14555693-C-T. GRCh37 (hg19) VCF-style: chr16-14649550-C-T.
Other names: c.1279G>A (NM_002582.3); c.1096G>A, p.Val366Ile (NM_001134477.3); c.1141G>A, p.Val381Ile (NM_001242992.2); short protein forms V366I, V381I, V427I.
Identifiers: ClinVar variation 1061206 (VCV001061206.8), dbSNP rs762139840, ClinGen allele CA7912082.